The following is an entry in ClinVar:

NM_000277.3(PAH):c.964G>A (p.Ala322Thr)

Gene: PAH (phenylalanine hydroxylase; minus strand). Cytogenetic location: 12q23.2.
Variant type: single nucleotide variant.
Coding change: c.964G>A on transcript NM_000277.3 (MANE Select); coding-DNA position 964, G replaced by A.
Protein change: p.Ala322Thr; replaces alanine 322 with threonine.
Molecular consequence: missense variant.
Genome position (GRCh38, 1-based): chr12:102,846,900, C>T on the plus strand (G>A on the coding strand, the complement: PAH is on the minus strand). VCF-style: chr12-102846900-C-T. GRCh37 (hg19) VCF-style: chr12-103240678-C-T.
Other names: NM_000277.1(PAH):c.964G>A; c.964G>A, p.Ala322Thr (NM_001354304.2); c.964G>A (NM_000277.2); short protein forms A322T.
Identifiers: ClinVar variation 102912 (VCV000102912.28), dbSNP rs62514957, ClinGen allele CA229875.

ClinVar aggregate classification (germline): Pathogenic. Review status: reviewed by expert panel (3 of 4 stars). 13 submissions from 13 submitters: Pathogenic (1). 12 of the submissions do not count toward it. Last evaluated 2023-12-30.

Conditions:
PAH-related disorder. Also called: PAH-related condition.
Inborn genetic diseases. Identifiers: MedGen C0950123, MeSH D030342.
Phenylketonuria (PKU). Also called: Phenylketonuria (PKU); FOLLING DISEASE; OLIGOPHRENIA PHENYLPYRUVICA; Phenylketonurias. Identifiers: Orphanet 716, MedGen C0031485, MONDO:0009861, OMIM 261600. Disease mechanism: loss of function.
6-Pyruvoyl-tetrahydrobiopterin synthase deficiency. Also called: 6-Pyruvoyltetrahydropterin Synthase Deficiency; Hyperphenylalanemia, BH4-deficient, A; Hyperphenylalaninemia due to 6-pyruvoyl-tetrahydropterin synthase deficiency; PTS-Related Tetrahydrobiopterin Deficiency; HYPERPHENYLALANINEMIA, TETRAHYDROBIOPTERIN-DEFICIENT, DUE TO PTS DEFICIENCY; BH4-deficient hyperphenylalaninemia A. Identifiers: Orphanet 13, Orphanet 238583, MedGen C0878676, MONDO:0009863, OMIM 261640.

Allele frequency attached by ClinVar (database versions not stated): gnomAD 0.00004; gnomAD exomes 0.00007 and 0.00009; ExAC 0.00006; TOPMed 0.00006.
gnomAD v4.1: 142 of 1,613,234 alleles (0.0088%); highest among the groups gnomAD compares: South Asian, 0.022%; no homozygotes.

Submissions 1 to 6 of 13:

ClinGen PAH Variant Curation Expert Panel
Classification: Pathogenic for Phenylketonuria. Last evaluated: 2023-12-30. Review status: reviewed by expert panel. Criteria: ClinGen PAH ACMG Specifications v1. Collection method: curation. Allele origin: germline. Inheritance: Autosomal recessive inheritance.
Comment: The NM_000277.1(PAH):c.964G>A (p.Ala322Thr) variant is a missense variant in exon 9/13 of PAH. The variant has been found to reduce PAH enzymatic activity to 11% of wild-type in an Intinc system and 20% of wild-type in a cDNA system in transfected cells (PMID: 18590700) (PS3_supporting). The variant has been previously noted in at least four PKU patients among whom BH4 deficiency was excluded, including in trans with Pathogenic or Likely Pathogenic alleles (PM3_VeryStrong (4 points); PP4_Moderate). BH4 deficiency was excluded via analysis of urinary pterins and dihydropteridine reductase activity in erythrocytes (PMID: 30050108; PMID: 26322415). BH4 deficiency was excluded analyzing urinary pterin levels as well as by measuring the dihydropteridine reductase activity (PMID: 27121329). BH4 deficiency was excluded (PMID: 23764561). Another missense variant at the same site, p.A322G, is classified Pathogenic in ClinVar (ID 616) and by the ClinGen PAH VCEP. 18 heterozygotes and zero homozygotes are present for the variant in gnomAD, corresponding to a global frequency of 0.0000716 and a maximum population frequency of 0.000261; these frequencies exceed the 0.0002 cutoff for use of PM2, but is lower than the 0.002 cutoff for use of BS1. The variant is predicted damaging by multiple in-silico missense predictors, including REVEL (REVEL score 0.889) (PP3). Classification: Pathogenic Supporting Criteria: PS3_supporting; PM3_VeryStrong; PP4_Moderate; PP3

PreventionGenetics, part of Exact Sciences
Classification: Pathogenic for PAH-related condition. Last evaluated: 2026-07-28. Review status: criteria provided, single submitter. Criteria: ACMG Guidelines, 2015. Collection method: clinical testing. Allele origin: germline. Not counted in ClinVar's aggregate classification.
Comment: The PAH c.964G>A variant is predicted to result in the amino acid substitution p.Ala322Thr. This variant has previously been reported in association with phenylalanine hydroxylase deficiency (Zekanowski et al. 2001. PubMed ID: 11678552; Polak et al. 2013. PubMed ID: 23764561; Tao et al. 2015. PubMed ID: 26322415; Aldámiz-Echevarría et al. 2016. PubMed ID: 27121329; Table S3, Hillert et al. 2020. PubMed ID: 32668217). Different substitutions of the same amino acid (p.Ala322Val and p.Ala322Gly) have also been reported in association with phenylalanine hydroxylase deficiency (e.g., Svensson et al. 1992. PubMed ID: 1301200; Sterl et al. 2013. PubMed ID: 22526846). Note that amino acid residue p.Ala322 reportedly resides within the cofactor binding region of the PAH protein, and in the PAH variant database, the p.Ala322Thr substitution is classified as a mild hyperphenylalaninemia variant. In ClinVar, this variant is classified as pathogenic by the ClinGen PAH Variant Curation Expert Panel (Variation ID: 102912). In summary, we classify the c.964G>A (p.Ala322Thr) variant as pathogenic.

Labcorp Genetics (formerly Invitae), Labcorp
Classification: Pathogenic for Phenylketonuria. Last evaluated: 2026-01-12. Review status: criteria provided, single submitter. Criteria: Invitae Variant Classification Sherloc (09022015). Collection method: clinical testing. Allele origin: germline. Not counted in ClinVar's aggregate classification.
Comment: This sequence change replaces alanine, which is neutral and non-polar, with threonine, which is neutral and polar, at codon 322 of the PAH protein (p.Ala322Thr). This variant is present in population databases (rs62514957, gnomAD 0.03%). This missense change has been observed in individual(s) with PAH-related conditions (PMID: 23764561, 26322415, 26600521, 27121329). In at least one individual the data is consistent with being in trans (on the opposite chromosome) from a pathogenic variant. ClinVar contains an entry for this variant (Variation ID: 102912). Invitae Evidence Modeling of protein sequence and biophysical properties (such as structural, functional, and spatial information, amino acid conservation, physicochemical variation, residue mobility, and thermodynamic stability) indicates that this missense variant is not expected to disrupt PAH protein function with a negative predictive value of 80%. This variant disrupts the p.Ala322 amino acid residue in PAH. Other variant(s) that disrupt this residue have been determined to be pathogenic (PMID: 1301200, 9450897, 21871829, 27469133). This suggests that this residue is clinically significant, and that variants that disrupt this residue are likely to be disease-causing. For these reasons, this variant has been classified as Pathogenic.

Clinical Genomics Laboratory, Washington University in St. Louis
Classification: Pathogenic for Phenylketonuria. Last evaluated: 2025-11-05. Review status: criteria provided, single submitter. Criteria: ACMG Guidelines, 2015. Collection method: clinical testing. Allele origin: germline. Affected: yes. Not counted in ClinVar's aggregate classification.
Comment: The PAH c.964G>A (p.Ala322Thr) variant has been reported in at least four individuals affected with phenylalanine hydroxylase deficiency who were compound heterozygous for the variant and a pathogenic or likely pathogenic variant (Aldámiz-Echevarría L et al., PMID: 27121329; Li N et al., PMID: 30050108; Liu N et al., PMID: 26600521; Polak E et al., PMID: 23764561; Tao J et al., PMID: 26322415). This variant has been reported in the ClinVar database as a germline pathogenic variant by nine submitters and as a germline likely pathogenic variant by one submitter. The highest population minor allele frequency in the Genome Aggregation Database (v2.1.1) is 0.0261% in the South Asian population. Computational predictors indicate that the variant is damaging, evidence that correlates with an impact on PAH function. Functional studies that variant has been found to reduce PAH enzymatic activity in a cDNA system in transfected cells indicating that this variant impacts protein function (Ho P et al., PMID: 18590700). Other variant in the same codon, c.964G>A (p.Ala322Thr) is considered pathogenic according to the PAH Expert Panel (ClinVar Variation ID: 102912). Based on available information, the ACMG/AMP guidelines for variant interpretation (Richards S et al., PMID: 25741868) and the ClinGen Phenylketonuria Expert Panel Specifications to the ACMG/AMP Variant Interpretation Guidelines for PAH Version 2.0.0, this variant is classified as pathogenic.

Natera, Inc.
Classification: Pathogenic for Phenylketonuria. Last evaluated: 2025-08-14. Review status: criteria provided, single submitter. Criteria: Natera Variant Classification Schema (03/2026). Collection method: clinical testing. Allele origin: germline. Not counted in ClinVar's aggregate classification.
Comment: The c.964G>A variant in PAH is a missense variant predicted to cause substitution of alanine to threonine at amino acid 322. This variant is rare in the general population with a frequency below the threshold expected for the associated phenotype(s). This variant has been observed in one or more individuals affected with the associated recessive disease, as either homozygous or compound heterozygous with a second variant (PMID: 26600521, 27121329). Computational prediction algorithms indicate this variant is likely to affect gene or protein function. Given the available evidence, this variant is classified as Pathogenic.

GeneDx
Classification: Pathogenic. Last evaluated: 2025-07-31. Review status: criteria provided, single submitter. Criteria: GeneDx Variant Classification Process June 2021. Collection method: clinical testing. Allele origin: germline. Affected: yes. Not counted in ClinVar's aggregate classification.
Comment: Published functional studies demonstrate a damaging effect, as A322T showed a loss of enzymatic activity (PMID: 18590700); In silico analysis supports that this missense variant has a deleterious effect on protein structure/function; This variant is associated with the following publications: (PMID: 1563085, 1301187, 25525159, 26322415, 29316886, 27264808, 33177615, 33058845, 26503515, 10610798, 11678552, 31980526, 30275481, 27121329, 34021342, 33491267, 32668217, 34405919, 26600521, 23764561, 18590700, 38324470)